The following is an entry in ClinVar:

ClinVar aggregate classification (germline): Uncertain significance (1 of 4 stars; one submission).

Conditions:
Peroxisome biogenesis disorder 5A (Zellweger) (PBD5A). Identifiers: Orphanet 912, MedGen C3553940, MONDO:0013932, OMIM 614866.

Submission:

Labcorp Genetics (formerly Invitae), Labcorp
Classification: Uncertain significance for Peroxisome biogenesis disorder 5A (Zellweger). Last evaluated: 2022-08-02. Review status: criteria provided, single submitter. Criteria: Invitae Variant Classification Sherloc (09022015). Collection method: clinical testing. Allele origin: germline.
Comment: This sequence change replaces alanine, which is neutral and non-polar, with serine, which is neutral and polar, at codon 50 of the PEX2 protein (p.Ala50Ser). This variant is not present in population databases (gnomAD no frequency). This variant has not been reported in the literature in individuals affected with PEX2-related conditions. Algorithms developed to predict the effect of missense changes on protein structure and function (SIFT, PolyPhen-2, Align-GVGD) all suggest that this variant is likely to be tolerated. In summary, the available evidence is currently insufficient to determine the role of this variant in disease. Therefore, it has been classified as a Variant of Uncertain Significance.

NM_000318.3(PEX2):c.148G>T (p.Ala50Ser)

Gene: PEX2 (peroxisomal biogenesis factor 2; minus strand). Cytogenetic location: 8q21.13.
Variant type: single nucleotide variant.
Coding change: c.148G>T on transcript NM_000318.3 (MANE Select); coding-DNA position 148, G replaced by T.
Protein change: p.Ala50Ser; replaces alanine 50 with serine.
Molecular consequence: missense variant.
Genome position (GRCh38, 1-based): chr8:76,984,031, C>A on the plus strand (G>T on the coding strand, the complement: PEX2 is on the minus strand). VCF-style: chr8-76984031-C-A. GRCh37 (hg19) VCF-style: chr8-77896267-C-A.
Other names: c.148G>T, p.Ala50Ser (NM_001079867.2, NM_001172086.2, NM_001172087.2); short protein forms A50S.
Identifiers: ClinVar variation 1714824 (VCV001714824.5), dbSNP rs2487453439, ClinGen allele CA371557991.